The following is an entry in ClinVar:

ClinVar aggregate classification (germline): Likely benign. Review status: criteria provided, single submitter (1 of 4 stars). 2 submissions from 2 submitters: Likely benign (1). 1 of the submissions does not count toward it. Last evaluated 2023-02-17.

Conditions:
PKD2-related disorder. Also called: PKD2-related condition.
Autosomal dominant polycystic kidney disease. Identifiers: Orphanet 730, MedGen C0085413, MONDO:0004691.

Allele frequency attached by ClinVar (database versions not stated): gnomAD 0.00001; gnomAD exomes 0.00001; ExAC 0.00002.
gnomAD v4.1: 5 of 1,613,752 alleles (0.00031%); highest among the groups gnomAD compares: Admixed American, 0.0083%; no homozygotes.

Submissions (2):

Labcorp Genetics (formerly Invitae), Labcorp
Classification: Likely benign for Autosomal dominant polycystic kidney disease. Last evaluated: 2023-02-17. Review status: criteria provided, single submitter. Criteria: Invitae Variant Classification Sherloc (09022015). Collection method: clinical testing. Allele origin: germline.

PreventionGenetics, part of Exact Sciences
Classification: Likely benign for PKD2-related condition. Last evaluated: 2022-04-15. Review status: no assertion criteria provided. Collection method: clinical testing. Allele origin: germline. Not counted in ClinVar's aggregate classification.
Comment: This variant is classified as likely benign based on ACMG/AMP sequence variant interpretation guidelines (Richards et al. 2015 PMID: 25741868, with internal and published modifications).

NM_000297.4(PKD2):c.1071C>A (p.Pro357=)

Gene: PKD2 (polycystin 2, transient receptor potential cation channel; plus strand). Cytogenetic location: 4q22.1.
Variant type: single nucleotide variant.
Coding change: c.1071C>A on transcript NM_000297.4 (MANE Select); coding-DNA position 1071, C replaced by A.
Protein change: p.Pro357=; no amino-acid change (proline 357 retained).
Molecular consequence: synonymous variant. On other transcripts: non-coding transcript variant (1).
Genome position (GRCh38, 1-based): chr4:88,038,478, C>A. VCF-style: chr4-88038478-C-A. GRCh37 (hg19) VCF-style: chr4-88959630-C-A.
Other names: c.1071C>A (NM_000297.3).
Identifiers: ClinVar variation 2852602 (VCV002852602.5), dbSNP rs779899817, ClinGen allele CA3003864.